The following is an entry in ClinVar:

NM_002907.4(RECQL):c.301A>G (p.Asn101Asp)

Gene: RECQL (RecQ like helicase; minus strand). Cytogenetic location: 12p12.1.
Variant type: single nucleotide variant.
Coding change: c.301A>G on transcript NM_002907.4 (MANE Select); coding-DNA position 301, A replaced by G.
Protein change: p.Asn101Asp; replaces asparagine 101 with aspartic acid.
Molecular consequence: missense variant.
Genome position (GRCh38, 1-based): chr12:21,490,292, T>C on the plus strand (A>G on the coding strand, the complement: RECQL is on the minus strand). VCF-style: chr12-21490292-T-C. GRCh37 (hg19) VCF-style: chr12-21643226-T-C.
Other names: c.301A>G, p.Asn101Asp (NM_032941.3); short protein forms N101D.
Identifiers: ClinVar variation 3944211 (VCV003944211.1).
Genomic context (GRCh38, chr12:21,490,292, plus strand): 5'-AGCTCTTTCCACCTCCTGTAGGCATAACAAGAAATACCTCCTTTCCAGCCATTGTTACGT[T>C]AATAGTTTCAAGCTGAAGTGGTCTGAACTTTTCCAGTTTAAAGACATTTTGCAGAATATC-3'
Protein context (NP_002898.2, residues 91-111): KFRPLQLETI[Asn101Asp]VTMAGKEVFL

ClinVar aggregate classification (germline): Uncertain significance (1 of 4 stars; one submission).

Submission:

Ambry Genetics
Classification: Uncertain significance. Last evaluated: 2025-04-25. Review status: criteria provided, single submitter. Criteria: Ambry Variant Classification Scheme 2023. Collection method: clinical testing. Allele origin: germline.
Comment: The p.N101D variant (also known as c.301A>G), located in coding exon 3 of the RECQL gene, results from an A to G substitution at nucleotide position 301. The asparagine at codon 101 is replaced by aspartic acid, an amino acid with highly similar properties. This amino acid position is conserved. In addition, the in silico prediction for this alteration is inconclusive. Based on the available evidence, the clinical significance of this variant remains unclear.